The following is an entry in ClinVar:

NM_000256.3(MYBPC3):c.1102A>T (p.Lys368Ter)

Gene: MYBPC3 (myosin binding protein C3; minus strand). Cytogenetic location: 11p11.2.
Variant type: single nucleotide variant.
Coding change: c.1102A>T on transcript NM_000256.3 (MANE Select); coding-DNA position 1102, A replaced by T.
Protein change: p.Lys368Ter; replaces lysine 368 with a stop codon.
Molecular consequence: nonsense.
Genome position (GRCh38, 1-based): chr11:47,343,613, T>A on the plus strand (A>T on the coding strand, the complement: MYBPC3 is on the minus strand). VCF-style: chr11-47343613-T-A. GRCh37 (hg19) VCF-style: chr11-47365164-T-A.
Other names: short protein forms K368*.
Identifiers: ClinVar variation 3257731 (VCV003257731.1).

ClinVar aggregate classification (germline): Likely pathogenic (1 of 4 stars; one submission).

Conditions:
Hypertrophic cardiomyopathy 4. Also called: Familial hypertrophic cardiomyopathy 4. Identifiers: MedGen C1861862, MONDO:0007268, OMIM 115197.
Left ventricular noncompaction 10 (LVNC10). Identifiers: Orphanet 154, Orphanet 54260, MedGen C3715165, MONDO:0014163, OMIM 615396.

Submission:

Institute of Immunology and Genetics Kaiserslautern
Classification: Likely pathogenic for Hypertrophic cardiomyopathy 4; Left ventricular noncompaction 10. Last evaluated: 2024-07-10. Review status: criteria provided, single submitter. Criteria: ACMG Guidelines, 2015. Collection method: clinical testing. Allele origin: germline.
Comment: ACMG Criteria:PVS1, PM2; Variant was found in heterozygous state.